The following is an entry in ClinVar:

NM_003809.3(TNFSF12):c.205T>A (p.Ser69Thr)

Genes: TNFSF12 (TNF superfamily member 12; plus strand), TNFSF12-TNFSF13 (TNFSF12-TNFSF13 readthrough; plus strand). Cytogenetic location: 17p13.1.
Variant type: single nucleotide variant.
Coding change: c.205T>A on transcript NM_003809.3 (MANE Select); coding-DNA position 205, T replaced by A.
Protein change: p.Ser69Thr; replaces serine 69 with threonine.
Molecular consequence: missense variant. On other transcripts: non-coding transcript variant (1).
Genome position (GRCh38, 1-based): chr17:7,549,519, T>A. VCF-style: chr17-7549519-T-A. GRCh37 (hg19) VCF-style: chr17-7452836-T-A.
Other names: c.205T>A, p.Ser69Thr (NM_172089.4); short protein forms S69T.
Identifiers: ClinVar variation 4765541 (VCV004765541.1).

ClinVar aggregate classification (germline): Uncertain significance (1 of 4 stars; one submission).

Conditions:
Common variable immunodeficiency (CVID). Also called: Common variable hypogamma-globulinemia; Common variable agammaglobulinemia. Identifiers: Orphanet 1572, MedGen C0009447, MONDO:0015517.

gnomAD v4.1: 3 of 1,550,854 alleles (0.00019%); highest among the groups gnomAD compares: Non-Finnish European, 0.00017%; no homozygotes.

Submission:

Labcorp Genetics (formerly Invitae), Labcorp
Classification: Uncertain significance for Common variable immunodeficiency. Last evaluated: 2025-12-04. Review status: criteria provided, single submitter. Criteria: Invitae Variant Classification Sherloc (09022015). Collection method: clinical testing. Allele origin: germline.
Comment: This sequence change replaces serine, which is neutral and polar, with threonine, which is neutral and polar, at codon 69 of the TNFSF12 protein (p.Ser69Thr). This variant is not present in population databases (gnomAD no frequency). This variant has not been reported in the literature in individuals affected with TNFSF12-related conditions. An algorithm developed to predict the effect of missense changes on protein structure and function (PolyPhen-2) suggests that this variant is likely to be tolerated. In summary, the available evidence is currently insufficient to determine the role of this variant in disease. Therefore, it has been classified as a Variant of Uncertain Significance.